The following is an entry in ClinVar:

ClinVar aggregate classification (germline): Uncertain significance (1 of 4 stars; one submission).

Conditions:
Intellectual developmental disorder, autosomal recessive 58. Also called: Intellectual disability, autosomal recessive 58. Identifiers: MedGen C4310641, MONDO:0014996, OMIM 617270.

Submission:

3billion
Classification: Uncertain significance for Intellectual developmental disorder, autosomal recessive 58. Last evaluated: 2025-01-30. Review status: criteria provided, single submitter. Criteria: ACMG Guidelines, 2015. Collection method: clinical testing. Allele origin: germline. Affected: yes.
Comment: The variant is not observed in the gnomAD v4.1.0 dataset. Predicted Consequence/Location: Missense variant Damaging effect on gene or gene product predicted by in silico programs is uncertain [REVEL: 0.51 (damaging >=0.6, benign <0.4), 3Cnet: 0.15 (damaging >=0.6, benign <0.15)]. Therefore, this variant is classified as VUS according to the recommendation of ACMG/AMP guideline.

NM_018255.4(ELP2):c.1220G>A (p.Gly407Asp)

Gene: ELP2 (elongator acetyltransferase complex subunit 2; plus strand). Cytogenetic location: 18q12.2.
Variant type: single nucleotide variant.
Coding change: c.1220G>A on transcript NM_018255.4 (MANE Select); coding-DNA position 1220, G replaced by A.
Protein change: p.Gly407Asp; replaces glycine 407 with aspartic acid.
Molecular consequence: missense variant. On other transcripts: non-coding transcript variant (4), intron variant (1).
Genome position (GRCh38, 1-based): chr18:36,154,944, G>A. VCF-style: chr18-36154944-G-A. GRCh37 (hg19) VCF-style: chr18-33734907-G-A.
Other names: c.1415G>A, p.Gly472Asp (NM_001242875.3); c.1205G>A, p.Gly402Asp (NM_001242876.3); c.1142G>A, p.Gly381Asp (NM_001242877.3); c.1010G>A, p.Gly337Asp (NM_001242878.3, NM_001242879.3); c.1088G>A, p.Gly363Asp (NM_001324465.2); c.1337G>A, p.Gly446Asp (NM_001324466.2); c.773G>A, p.Gly258Asp (NM_001324468.2); c.1126-1522G>A (NM_001324467.2); short protein forms G258D, G337D, G363D, G381D, G402D, G407D, G446D, G472D.
Identifiers: ClinVar variation 4292017 (VCV004292017.1).
Genomic context (GRCh38, chr18:36,154,944, plus strand): 5'-ACTTTGATGGTGTCCAAGACCTAGTCTGGGATCCAGAAGGAGAATTTATTATCACTGTTG[G>A]TACTGATCAGACAACTAGACTTTTTGCTCCATGGAAGAGAAAAGACCAATCACAGGTAAA-3'
Protein context (NP_060725.1, residues 397-417): DPEGEFIITV[Gly407Asp]TDQTTRLFAP